The following is an entry in ClinVar:

NM_002025.4(AFF2):c.234T>C (p.Tyr78=)

Gene: AFF2 (ALF transcription elongation factor 2; plus strand). Cytogenetic location: Xq28.
Variant type: single nucleotide variant.
Coding change: c.234T>C on transcript NM_002025.4 (MANE Select); coding-DNA position 234, T replaced by C.
Protein change: p.Tyr78=; no amino-acid change (tyrosine 78 retained).
Molecular consequence: synonymous variant.
Genome position (GRCh38, 1-based): chrX:148,661,961, T>C. VCF-style: chrX-148661961-T-C. GRCh37 (hg19) VCF-style: chrX-147743482-T-C.
Other names: c.222T>C, p.Tyr74= (NM_001169122.2, NM_001169123.2, NM_001169125.2); c.234T>C, p.Tyr78= (NM_001169124.2).
Identifiers: ClinVar variation 2661598 (VCV002661598.24), dbSNP rs2521394652, ClinGen allele CA519172484.
Genomic context (GRCh38, chrX:148,661,961, plus strand): 5'-ATTTTAGACAAACAAAGGTGATGCACTTGCCAACCGAGTCCAGAACACGCTTGGAAACTA[T>C]GATGAAATGAAGAATTTGCTAACTAACCATTCTAATCAGAATCACCTAGTGGGAATTCCA-3'
Protein context (NP_002016.2, residues 68-88): ANRVQNTLGN[Tyr78=]DEMKNLLTNH

ClinVar aggregate classification (germline): Likely benign (1 of 4 stars; one submission).

Allele frequency attached by ClinVar (database versions not stated): gnomAD exomes below 0.00001.
gnomAD v4.1: 2 of 1,208,579 alleles (0.00017%); highest among the groups gnomAD compares: Non-Finnish European, 0.00011%; no homozygotes.

Submission:

CeGaT Center for Human Genetics Tuebingen
Classification: Likely benign. Last evaluated: 2023-05-01. Review status: criteria provided, single submitter. Criteria: CeGaT Center For Human Genetics Tuebingen Variant Classification Criteria Version 2. Collection method: clinical testing. Allele origin: germline. Affected: yes. Observed: 1 variant allele.
Comment: AFF2: PM2:Supporting, BP4, BP7